The following is an entry in ClinVar:

ClinVar aggregate classification (germline): Uncertain significance (1 of 4 stars; one submission).

Submission:

Ambry Genetics
Classification: Uncertain significance. Last evaluated: 2022-12-27. Review status: criteria provided, single submitter. Criteria: Ambry Variant Classification Scheme 2023. Collection method: clinical testing. Allele origin: germline.
Comment: The p.C61S variant (also known as c.182G>C), located in coding exon 1 of the MNDA gene, results from a G to C substitution at nucleotide position 182. The cysteine at codon 61 is replaced by serine, an amino acid with dissimilar properties. This amino acid position is conserved. In addition, this alteration is predicted to be tolerated by in silico analysis. Since supporting evidence is limited at this time, the clinical significance of this alteration remains unclear.

NM_002432.3(MNDA):c.182G>C (p.Cys61Ser)

Gene: MNDA (myeloid cell nuclear differentiation antigen; plus strand). Cytogenetic location: 1q23.1.
Variant type: single nucleotide variant.
Coding change: c.182G>C on transcript NM_002432.3 (MANE Select); coding-DNA position 182, G replaced by C.
Protein change: p.Cys61Ser; replaces cysteine 61 with serine.
Molecular consequence: missense variant.
Genome position (GRCh38, 1-based): chr1:158,842,335, G>C. VCF-style: chr1-158842335-G-C. GRCh37 (hg19) VCF-style: chr1-158812125-G-C.
Other names: short protein forms C61S.
Identifiers: ClinVar variation 2448168 (VCV002448168.2), dbSNP rs2526075361, ClinGen allele CA343036982.